The following is an entry in ClinVar:

ClinVar aggregate classification (germline): Pathogenic (1 of 4 stars; one submission).

Conditions:
Duchenne muscular dystrophy (DMD). Also called: MUSCULAR DYSTROPHY, PSEUDOHYPERTROPHIC PROGRESSIVE, DUCHENNE TYPE; Duchenne Muscular Dystrophy (DMD). Identifiers: Orphanet 98896, MedGen C0013264, MONDO:0010679, OMIM 310200.
Becker muscular dystrophy (BMD). Also called: Becker Muscular Dystrophy (BMD); MUSCULAR DYSTROPHY, PSEUDOHYPERTROPHIC PROGRESSIVE, BECKER TYPE. Identifiers: Orphanet 98895, MedGen C0917713, MONDO:0010311, OMIM 300376.
Dilated cardiomyopathy 3B (CMD3B). Also called: CMD3B: DMD-Related Dilated Cardiomyopathy; CARDIOMYOPATHY, DILATED, X-LINKED; DMD-Associated Dilated Cardiomyopathy. Identifiers: Orphanet 154, MedGen C3668940, MONDO:0010542, OMIM 302045.

Submission:

Labcorp Genetics (formerly Invitae), Labcorp
Classification: Pathogenic for Duchenne muscular dystrophy. Last evaluated: 2022-04-30. Review status: criteria provided, single submitter. Criteria: Invitae Variant Classification Sherloc (09022015). Collection method: clinical testing. Allele origin: germline.
Comment: This variant is not present in population databases (gnomAD no frequency). For these reasons, this variant has been classified as Pathogenic. This variant has not been reported in the literature in individuals affected with DMD-related conditions. This sequence change creates a premature translational stop signal (p.Lys34Glufs*5) in the DMD gene. It is expected to result in an absent or disrupted protein product. Loss-of-function variants in DMD are known to be pathogenic (PMID: 16770791, 25007885).

Literature cited by the submitters: PubMed 16770791 (cited by Labcorp Genetics (formerly Invitae), Labcorp); PubMed 25007885 (cited by Labcorp Genetics (formerly Invitae), Labcorp).

NM_004006.3(DMD):c.99dup (p.Lys34fs)

Gene: DMD (dystrophin; minus strand). Cytogenetic location: Xp21.1.
Variant type: Duplication.
Coding change: c.99dup on transcript NM_004006.3 (MANE Select); coding-DNA position 99, one base duplicated (G; older notation c.99dupG).
Protein change: p.Lys34fs; shifts the reading frame from lysine 34.
Molecular consequence: frameshift variant. On other transcripts: 5 prime UTR variant (1).
Genome position (GRCh38, 1-based): chrX:32,849,815, C duplicated on the plus strand (G on the coding strand, the reverse complement: DMD is on the minus strand); the first of 3 consecutive C bases (chrX:32,849,815-32,849,817); duplicating any one gives the same sequence. VCF-style (leftmost placement, unchanged base first): chrX-32849814-T-TC. GRCh37 (hg19) VCF-style: chrX-32867931-T-TC.
Other names: c.75dup, p.Lys26fs (NM_000109.4); c.87dup, p.Lys30fs (NM_004009.3); c.-271dup (NM_004010.3); c.99dup (NM_004006.2); short protein forms K34fs, K26fs, K30fs.
Identifiers: ClinVar variation 2083595 (VCV002083595.5), dbSNP rs2524952602, ClinGen allele CA2580101168.
Genomic context (GRCh38, chrX:32,849,814, plus strand): 5'-GGAGGTCTAGGAGGCGCCTCCCATCCTGTAGGTCACTGAAGAGGTTCTCAATATGCTGCT[T>TC]CCCAAACTGAAATTAAAAAAAATACACTCAATTTAACAAAGCACACTTCCAATGATACAT-3'